The following is an entry in ClinVar:

ClinVar aggregate classification (germline): Uncertain significance (1 of 4 stars; one submission).

Submission:

Ambry Genetics
Classification: Uncertain significance. Last evaluated: 2025-04-06. Review status: criteria provided, single submitter. Criteria: Ambry Variant Classification Scheme 2023. Collection method: clinical testing. Allele origin: germline.
Comment: The p.S665R variant (also known as c.1995C>G), located in coding exon 8 of the WNK2 gene, results from a C to G substitution at nucleotide position 1995. The serine at codon 665 is replaced by arginine, an amino acid with dissimilar properties. This amino acid position is conserved. In addition, the in silico prediction for this alteration is inconclusive. Based on the available evidence, the clinical significance of this variant remains unclear.

NM_006648.4(WNK2):c.1995C>G (p.Ser665Arg)

Gene: WNK2 (WNK lysine deficient protein kinase 2; plus strand). Cytogenetic location: 9q22.31.
Variant type: single nucleotide variant.
Coding change: c.1995C>G on transcript NM_006648.4 (MANE Select); coding-DNA position 1995, C replaced by G.
Protein change: p.Ser665Arg; replaces serine 665 with arginine.
Molecular consequence: missense variant.
Genome position (GRCh38, 1-based): chr9:93,253,043, C>G. VCF-style: chr9-93253043-C-G. GRCh37 (hg19) VCF-style: chr9-96015325-C-G.
Other names: c.1995C>G, p.Ser665Arg (NM_001282394.3); short protein forms S665R.
Identifiers: ClinVar variation 3981812 (VCV003981812.1).
Genomic context (GRCh38, chr9:93,253,043, plus strand): 5'-GTCCCCGGCCCAGTGTGTGTGCAGCCCCCCTGTGAGCGAGGGGCCCGTCCTGCCGCAGAG[C>G]CTGCCCTCGCTGGGGGCCTACCAGCAGCCCACGGCTGCAGTGAGTCAGAGCATCACTCCC-3'
Protein context (NP_006639.3, residues 655-675): PVSEGPVLPQ[Ser665Arg]LPSLGAYQQP